The following is an entry in ClinVar:

NM_006648.4(WNK2):c.3538C>T (p.Arg1180Trp)

Gene: WNK2 (WNK lysine deficient protein kinase 2; plus strand). Cytogenetic location: 9q22.31.
Variant type: single nucleotide variant.
Coding change: c.3538C>T on transcript NM_006648.4 (MANE Select); coding-DNA position 3538, C replaced by T.
Protein change: p.Arg1180Trp; replaces arginine 1180 with tryptophan.
Molecular consequence: missense variant.
Genome position (GRCh38, 1-based): chr9:93,263,693, C>T. VCF-style: chr9-93263693-C-T. GRCh37 (hg19) VCF-style: chr9-96025975-C-T.
Other names: c.3538C>T, p.Arg1180Trp (NM_001282394.3); short protein forms R1180W.
Identifiers: ClinVar variation 4605353 (VCV004605353.1).
Genomic context (GRCh38, chr9:93,263,693, plus strand): 5'-GGCAGGCTGGAGGGCAGGGCAGCCCGAAAACACCACCGCAGGTCCACGCGTGCGCGCTCC[C>T]GGCAGGAGAGGGCCAGCCGGCCCCGGCTTACCATCTTGAACGTGAGTGGGCGGGGCGTGG-3'
Protein context (NP_006639.3, residues 1170-1190): HHRRSTRARS[Arg1180Trp]QERASRPRLT

ClinVar aggregate classification (germline): Uncertain significance (1 of 4 stars; one submission).

gnomAD v4.1: 6 of 1,554,564 alleles (0.00039%); highest among the groups gnomAD compares: Admixed American, 0.0019%; no homozygotes.

Submission:

Ambry Genetics
Classification: Uncertain significance. Last evaluated: 2025-11-10. Review status: criteria provided, single submitter. Criteria: Ambry Variant Classification Scheme 2023. Collection method: clinical testing. Allele origin: germline.
Comment: The p.R1180W variant (also known as c.3538C>T), located in coding exon 14 of the WNK2 gene, results from a C to T substitution at nucleotide position 3538. The arginine at codon 1180 is replaced by tryptophan, an amino acid with dissimilar properties. This amino acid position is conserved. In addition, the in silico prediction for this alteration is inconclusive. Based on the available evidence, the clinical significance of this variant remains unclear.